The following is an entry in ClinVar:

ClinVar aggregate classification (germline): Uncertain significance (1 of 4 stars; one submission).

Submission:

GeneDx
Classification: Uncertain significance. Last evaluated: 2023-05-23. Review status: criteria provided, single submitter. Criteria: GeneDx Variant Classification Process June 2021. Collection method: clinical testing. Allele origin: germline. Affected: yes.
Comment: Not observed at significant frequency in large population cohorts (gnomAD); Canonical splice site variant in a gene or region of a gene for which loss of function is not a well-established mechanism of disease; Has not been previously published as pathogenic or benign to our knowledge

NM_018026.4(PACS1):c.2105-2A>G

Gene: PACS1 (phosphofurin acidic cluster sorting protein 1; plus strand). Cytogenetic location: 11q13.2.
Variant type: single nucleotide variant.
Coding change: c.2105-2A>G on transcript NM_018026.4 (MANE Select); the canonical splice acceptor site of the intron before coding-DNA position 2105, A replaced by G.
Molecular consequence: splice acceptor variant.
Genome position (GRCh38, 1-based): chr11:66,235,299, A>G. VCF-style: chr11-66235299-A-G. GRCh37 (hg19) VCF-style: chr11-66002770-A-G.
Identifiers: ClinVar variation 3361943 (VCV003361943.1).